The following is an entry in ClinVar:

ClinVar aggregate classification (germline): Uncertain significance (1 of 4 stars; one submission).

Allele frequency attached by ClinVar (database versions not stated): gnomAD exomes below 0.00001; gnomAD 0.00001.
gnomAD v4.1: 5 of 1,613,206 alleles (0.00031%); highest among the groups gnomAD compares: African/African-American, 0.0013%; no homozygotes.

Submission:

GeneDx
Classification: Uncertain significance. Last evaluated: 2022-08-17. Review status: criteria provided, single submitter. Criteria: GeneDx Variant Classification Process June 2021. Collection method: clinical testing. Allele origin: germline. Affected: yes.
Comment: Not observed at significant frequency in large population cohorts (gnomAD); In silico analysis supports that this missense variant has a deleterious effect on protein structure/function; Has not been previously published as pathogenic or benign to our knowledge

NM_003504.5(CDC45):c.382C>G (p.Pro128Ala)

Gene: CDC45 (cell division cycle 45; plus strand). Cytogenetic location: 22q11.21.
Variant type: single nucleotide variant.
Coding change: c.382C>G on transcript NM_003504.5 (MANE Select); coding-DNA position 382, C replaced by G.
Protein change: p.Pro128Ala; replaces proline 128 with alanine.
Molecular consequence: missense variant. On other transcripts: non-coding transcript variant (1).
Genome position (GRCh38, 1-based): chr22:19,483,901, C>G. VCF-style: chr22-19483901-C-G. GRCh37 (hg19) VCF-style: chr22-19471424-C-G.
Other names: c.382C>G, p.Pro128Ala (NM_001178010.2); c.244C>G, p.Pro82Ala (NM_001178011.2); c.346C>G, p.Pro116Ala (NM_001369291.1); short protein forms P116A, P128A, P82A.
Identifiers: ClinVar variation 2430750 (VCV002430750.1), dbSNP rs2090024037, ClinGen allele CA410680006.
Genomic context (GRCh38, chr22:19,483,901, plus strand): 5'-TCCTTTTTGTTTTGAACTTAGATCAAATTACTCATTAAACAAGATGATGACCTTGAAGTT[C>G]CCGCCTATGAAGACATCTTCAGGGATGAAGAGGAGGATGAAGAGCATTCAGGAAATGACA-3'
Protein context (NP_003495.1, residues 118-138): LIKQDDDLEV[Pro128Ala]AYEDIFRDEE